The following is an entry in ClinVar:

NM_138713.4(NFAT5):c.2149C>T (p.Pro717Ser)

Gene: NFAT5 (nuclear factor of activated T cells 5; plus strand). Cytogenetic location: 16q22.1.
Variant type: single nucleotide variant.
Coding change: c.2149C>T on transcript NM_138713.4 (MANE Select); coding-DNA position 2149, C replaced by T.
Protein change: p.Pro717Ser; replaces proline 717 with serine.
Molecular consequence: missense variant.
Genome position (GRCh38, 1-based): chr16:69,691,974, C>T. VCF-style: chr16-69691974-C-T. GRCh37 (hg19) VCF-style: chr16-69725877-C-T.
Other names: c.2146C>T, p.Pro716Ser (NM_001113178.3); c.1474C>T, p.Pro492Ser (NM_001367709.1); c.2095C>T, p.Pro699Ser (NM_006599.4); c.1867C>T, p.Pro623Ser (NM_138714.4, NM_173214.3, NM_173215.3); c.2149C>T (NM_138713.3); short protein forms P492S, P699S, P623S, P716S, P717S.
Identifiers: ClinVar variation 1508844 (VCV001508844.7), dbSNP rs2151718556, ClinGen allele CA396507324.

ClinVar aggregate classification (germline): Uncertain significance. Review status: criteria provided, multiple submitters, no conflicts (2 of 4 stars). 2 submissions from 2 submitters: Uncertain significance (2). Last evaluated 2021-10-21.

Conditions:
Immunodeficiency. Identifiers: MedGen C0021051, MONDO:0021094, HP:0002721.

Submissions (2):

Labcorp Genetics (formerly Invitae), Labcorp
Classification: Uncertain significance for Immunodeficiency. Last evaluated: 2021-10-21. Review status: criteria provided, single submitter. Criteria: Invitae Variant Classification Sherloc (09022015). Collection method: clinical testing. Allele origin: germline.
Comment: In summary, the available evidence is currently insufficient to determine the role of this variant in disease. Therefore, it has been classified as a Variant of Uncertain Significance. Algorithms developed to predict the effect of missense changes on protein structure and function output the following: SIFT: "Tolerated"; PolyPhen-2: "Benign"; Align-GVGD: "Class C0". The serine amino acid residue is found in multiple mammalian species, which suggests that this missense change does not adversely affect protein function. This variant has not been reported in the literature in individuals affected with NFAT5-related conditions. This variant is not present in population databases (ExAC no frequency). This sequence change replaces proline with serine at codon 623 of the NFAT5 protein (p.Pro623Ser). The proline residue is moderately conserved and there is a moderate physicochemical difference between proline and serine.

Ambry Genetics
Classification: Uncertain significance. Last evaluated: 2021-06-11. Review status: criteria provided, single submitter. Criteria: Ambry Variant Classification Scheme 2023. Collection method: clinical testing. Allele origin: germline.